The following is an entry in ClinVar:

NM_024675.4(PALB2):c.2515-12T>C

Gene: PALB2 (partner and localizer of BRCA2; minus strand). Cytogenetic location: 16p12.2.
Variant type: single nucleotide variant.
Coding change: c.2515-12T>C on transcript NM_024675.4 (MANE Select); 12 bases into the intron before coding-DNA position 2515, T replaced by C.
Molecular consequence: intron variant.
Genome position (GRCh38, 1-based): chr16:23,629,287, A>G on the plus strand (T>C on the coding strand, the complement: PALB2 is on the minus strand). VCF-style: chr16-23629287-A-G. GRCh37 (hg19) VCF-style: chr16-23640608-A-G.
Identifiers: ClinVar variation 507434 (VCV000507434.6), dbSNP rs1555460234, ClinGen allele CA658798573.

ClinVar aggregate classification (germline): Likely benign. Review status: criteria provided, multiple submitters, no conflicts (2 of 4 stars). 4 submissions from 4 submitters: Likely benign (4). Last evaluated 2025-11-19.

Conditions:
Familial cancer of breast. Also called: hereditary breast carcinoma; BREAST CANCER, FAMILIAL; Hereditary breast cancer. Identifiers: Orphanet 227535, MedGen C0346153, MONDO:0016419, OMIM 114480. Disease mechanism: loss of function.
Hereditary cancer-predisposing syndrome. Also called: Hereditary neoplastic syndrome; Hereditary Cancer Syndrome; Neoplastic Syndromes, Hereditary; Tumor predisposition. Identifiers: Orphanet 140162, MedGen C0027672, MeSH D009386, MONDO:0015356.

Submissions (4):

Labcorp Genetics (formerly Invitae), Labcorp
Classification: Likely benign for Familial cancer of breast. Last evaluated: 2025-11-19. Review status: criteria provided, single submitter. Criteria: Invitae Variant Classification Sherloc (09022015). Collection method: clinical testing. Allele origin: germline.

Color Diagnostics, LLC DBA Color Health
Classification: Likely benign for Hereditary cancer-predisposing syndrome. Last evaluated: 2025-04-27. Review status: criteria provided, single submitter. Criteria: ACMG Guidelines, 2015. Collection method: clinical testing. Allele origin: germline.

Myriad Genetics, Inc.
Classification: Likely benign for Familial cancer of breast. Last evaluated: 2025-01-16. Review status: criteria provided, single submitter. Criteria: Myriad Autosomal Dominant, Autosomal Recessive and X-Linked Classification Criteria (2023). Collection method: clinical testing. Allele origin: unknown.
Comment: This variant is considered likely benign. This variant is intronic and is not expected to impact mRNA splicing.

GeneDx
Classification: Likely benign. Last evaluated: 2017-02-14. Review status: criteria provided, single submitter. Criteria: GeneDx Variant Classification (06012015). Collection method: clinical testing. Allele origin: germline. Affected: yes.
Comment: This variant is considered likely benign or benign based on one or more of the following criteria: it is a conservative change, it occurs at a poorly conserved position in the protein, it is predicted to be benign by multiple in silico algorithms, and/or has population frequency not consistent with disease.